The following is an entry in ClinVar:

NC_000010.10:g.(?_95993791)_(95995897_?)del

Gene: PLCE1 (phospholipase C epsilon 1; plus strand). Cytogenetic location: 10q23.33.
Variant type: Deletion.
Identifiers: ClinVar variation 2426295 (VCV002426295.4).

ClinVar aggregate classification (germline): Uncertain significance (1 of 4 stars; one submission).

Submission:

Labcorp Genetics (formerly Invitae), Labcorp
Classification: Uncertain significance. Last evaluated: 2023-08-10. Review status: criteria provided, single submitter. Criteria: Invitae Variant Classification Sherloc (09022015). Collection method: clinical testing. Allele origin: germline.
Comment: In summary, the available evidence is currently insufficient to determine the role of this variant in disease. Therefore, it has been classified as a Variant of Uncertain Significance. This variant disrupts a region of the PLCE1 protein in which other variant(s) (c.2277G>T) have been observed in individuals with PLCE1-related conditions (PMID: 25060053). This suggests that this is a clinically significant region of the protein, and that variants that disrupt it are likely to be disease-causing. This variant has not been reported in the literature in individuals affected with PLCE1-related conditions. This variant is a gross deletion of the genomic region encompassing exon(s) 6-7 of the PLCE1 gene. This variant would be expected to be in-frame, preserving the integrity of the reading frame.

Literature cited by the submitters: PubMed 25060053.